The following is an entry in ClinVar:

NM_014946.4(SPAST):c.1108G>T (p.Gly370Trp)

Gene: SPAST (spastin; plus strand). Cytogenetic location: 2p22.3.
Variant type: single nucleotide variant.
Coding change: c.1108G>T on transcript NM_014946.4 (MANE Select); coding-DNA position 1108, G replaced by T.
Protein change: p.Gly370Trp; replaces glycine 370 with tryptophan.
Molecular consequence: missense variant.
Genome position (GRCh38, 1-based): chr2:32,126,957, G>T. VCF-style: chr2-32126957-G-T. GRCh37 (hg19) VCF-style: chr2-32352026-G-T.
Other names: c.1105G>T, p.Gly369Trp (NM_001363823.2); c.1009G>T, p.Gly337Trp (NM_001363875.2); c.1012G>T, p.Gly338Trp (NM_001377959.1, NM_199436.2); short protein forms G337W, G338W, G369W, G370W.
Identifiers: ClinVar variation 1056688 (VCV001056688.10), dbSNP rs2148744904, ClinGen allele CA346501213.

ClinVar aggregate classification (germline): Uncertain significance (1 of 4 stars; one submission).

Conditions:
Hereditary spastic paraplegia 4. Also called: Spastic paraplegia 4, autosomal dominant; Spastic Paraplegia 4; Familial spastic paraplegia autosomal dominant 2. Identifiers: Orphanet 100985, MedGen C1866855, MONDO:0008438, OMIM 182601.

Submission:

Labcorp Genetics (formerly Invitae), Labcorp
Classification: Uncertain significance for Hereditary spastic paraplegia 4. Last evaluated: 2022-07-06. Review status: criteria provided, single submitter. Criteria: Invitae Variant Classification Sherloc (09022015). Collection method: clinical testing. Allele origin: germline.
Comment: Advanced modeling of protein sequence and biophysical properties (such as structural, functional, and spatial information, amino acid conservation, physicochemical variation, residue mobility, and thermodynamic stability) performed at Invitae indicates that this missense variant is expected to disrupt SPAST protein function. ClinVar contains an entry for this variant (Variation ID: 1056688). This missense change has been observed in individual(s) with clinical features of hereditary spastic paraplegia (Invitae). This variant is not present in population databases (gnomAD no frequency). This sequence change replaces glycine, which is neutral and non-polar, with tryptophan, which is neutral and slightly polar, at codon 370 of the SPAST protein (p.Gly370Trp). Algorithms developed to predict the effect of sequence changes on RNA splicing suggest that this variant may disrupt the consensus splice site. In summary, the available evidence is currently insufficient to determine the role of this variant in disease. Therefore, it has been classified as a Variant of Uncertain Significance. This variant disrupts the p.Gly370 amino acid residue in SPAST. Other variant(s) that disrupt this residue have been observed in individuals with SPAST-related conditions (PMID: 10699187), which suggests that this may be a clinically significant amino acid residue.

Literature cited by the submitters: PubMed 10699187.